The following is an entry in ClinVar:

ClinVar aggregate classification (germline): Conflicting classifications of pathogenicity. Review status: criteria provided, conflicting classifications (1 of 4 stars). 2 submissions from 2 submitters: Uncertain significance (1); Likely benign (1). Last evaluated 2025-08-29.

Allele frequency attached by ClinVar (database versions not stated): ExAC 0.00083; 1000 Genomes Project 30x 0.00219; ESP Exome Variant Server 0.00246; 1000 Genomes Project 0.00280.
gnomAD v4.1: 849 of 1,614,186 alleles (0.053%); highest among the groups gnomAD compares: African/African-American, 0.93%; 3 homozygotes.

Submissions (2):

Ambry Genetics
Classification: Uncertain significance. Last evaluated: 2025-08-29. Review status: criteria provided, single submitter. Criteria: Ambry Variant Classification Scheme 2023. Collection method: clinical testing. Allele origin: germline.

CeGaT Center for Human Genetics Tuebingen
Classification: Likely benign. Last evaluated: 2022-09-01. Review status: criteria provided, single submitter. Criteria: CeGaT Center For Human Genetics Tuebingen Variant Classification Criteria Version 2. Collection method: clinical testing. Allele origin: germline. Affected: yes. Observed: 1 variant allele.
Comment: STAB2: BP4

NM_017564.10(STAB2):c.3395G>A (p.Arg1132His)

Gene: STAB2 (stabilin 2; plus strand). Cytogenetic location: 12q23.3.
Variant type: single nucleotide variant.
Coding change: c.3395G>A on transcript NM_017564.10 (MANE Select); coding-DNA position 3395, G replaced by A.
Protein change: p.Arg1132His; replaces arginine 1132 with histidine.
Molecular consequence: missense variant.
Genome position (GRCh38, 1-based): chr12:103,695,569, G>A. VCF-style: chr12-103695569-G-A. GRCh37 (hg19) VCF-style: chr12-104089347-G-A.
Other names: c.3395G>A (NM_017564.9); short protein forms R1132H.
Identifiers: ClinVar variation 2643250 (VCV002643250.25), dbSNP rs113917053, ClinGen allele CA6750953.